The following is an entry in ClinVar:

NM_000552.5(VWF):c.3189del (p.Thr1064fs)

Gene: VWF (von Willebrand factor; minus strand). Cytogenetic location: 12p13.31.
Variant type: Deletion.
Coding change: c.3189del on transcript NM_000552.5 (MANE Select); coding-DNA position 3189, one base deleted (T; older notation c.3189delT).
Protein change: p.Thr1064fs; shifts the reading frame from threonine 1064.
Molecular consequence: frameshift variant.
Genome position (GRCh38, 1-based): chr12:6,025,613, A deleted on the plus strand (T on the coding strand, the reverse complement: VWF is on the minus strand); the first of 2 consecutive A bases (chr12:6,025,613-6,025,614); deleting either gives the same sequence. VCF-style (leftmost placement, unchanged base first): chr12-6025612-TA-T. GRCh37 (hg19) VCF-style: chr12-6134778-TA-T.
Other names: c.3189delT (NM_000552.5); short protein forms T1064fs.
Identifiers: ClinVar variation 3896677 (VCV003896677.2).

ClinVar aggregate classification (germline): Pathogenic (1 of 4 stars; one submission).

Conditions:
von Willebrand disorder (VWD). Also called: von Willebrand Diseases; Von Willebrand disease (hereditary or acquired); von Willebrand's disease. Identifiers: MedGen C0042974, MeSH D014842, MONDO:0024574.

Submission:

Women's Health and Genetics/Laboratory Corporation of America, LabCorp
Classification: Pathogenic for von Willebrand disorder. Last evaluated: 2025-04-23. Review status: criteria provided, single submitter. Criteria: LabCorp Variant Classification Summary - May 2015. Collection method: clinical testing. Allele origin: germline.
Comment: Variant summary: VWF c.3189delT (p.Thr1064ProfsX55) results in a premature termination codon, predicted to cause a truncation of the encoded protein or absence of the protein due to nonsense mediated decay, which are commonly known mechanisms for disease. The variant allele was found at a frequency of 4.6e-06 in 219044 control chromosomes. To our knowledge, no occurrence of c.3189delT in individuals affected with Von Willebrand Disease and no experimental evidence demonstrating its impact on protein function have been reported. No submitters have cited clinical-significance assessments for this variant to ClinVar. Based on the evidence outlined above, the variant was classified as pathogenic.